The following is an entry in ClinVar:

NM_198428.3(BBS9):c.700G>A (p.Val234Ile)

Gene: BBS9 (Bardet-Biedl syndrome 9; plus strand). Cytogenetic location: 7p14.3.
Variant type: single nucleotide variant.
Coding change: c.700G>A on transcript NM_198428.3 (MANE Select); coding-DNA position 700, G replaced by A.
Protein change: p.Val234Ile; replaces valine 234 with isoleucine.
Molecular consequence: missense variant. On other transcripts: non-coding transcript variant (3).
Genome position (GRCh38, 1-based): chr7:33,264,372, G>A. VCF-style: chr7-33264372-G-A. GRCh37 (hg19) VCF-style: chr7-33303984-G-A.
Other names: c.700G>A, p.Val234Ile (NM_001033604.2, NM_001033605.2, NM_001348036.1 and 5 more transcripts); c.334G>A, p.Val112Ile (NM_001348037.3, NM_001348044.3, NM_001348045.3 and 1 more transcripts); c.427G>A, p.Val143Ile (NM_001348038.3, NM_001348039.3); c.565G>A, p.Val189Ile (NM_001348042.3); c.700G>A (NM_198428.2); short protein forms V189I, V234I, V112I, V143I.
Identifiers: ClinVar variation 3594543 (VCV003594543.2).

ClinVar aggregate classification (germline): Uncertain significance. Review status: criteria provided, multiple submitters, no conflicts (2 of 4 stars). 2 submissions from 2 submitters: Uncertain significance (2). Last evaluated 2025-03-27.

Conditions:
BBS9-related disorder. Also called: BBS9-related condition.
Bardet-Biedl syndrome 9 (BBS9). Identifiers: Orphanet 110, MedGen C1859567, MONDO:0014437, OMIM 615986.

gnomAD v4.1: 26 of 1,567,848 alleles (0.0017%); highest among the groups gnomAD compares: Non-Finnish European, 0.002%; no homozygotes.

Submissions (2):

PreventionGenetics, part of Exact Sciences
Classification: Uncertain significance for BBS9-related condition. Last evaluated: 2025-03-27. Review status: criteria provided, single submitter. Criteria: ACMG Guidelines, 2015. Collection method: clinical testing. Allele origin: germline.
Comment: The BBS9 c.700G>A variant is predicted to result in the amino acid substitution p.Val234Ile. To our knowledge, this variant has not been reported in the literature. This variant is reported in 0.00090% of alleles in individuals of European (Non-Finnish) descent in gnomAD. At this time, the clinical significance of this variant is uncertain due to the absence of conclusive functional and genetic evidence.

Fulgent Genetics
Classification: Uncertain significance for Bardet-Biedl syndrome 9. Last evaluated: 2024-01-09. Review status: criteria provided, single submitter. Criteria: ACMG Guidelines, 2015. Collection method: clinical testing. Allele origin: germline.